The following is an entry in ClinVar:

ClinVar aggregate classification (germline): Uncertain significance (1 of 4 stars; one submission).

Conditions:
Progressive myoclonic epilepsy. Also called: Familial progressive myoclonic epilepsy; Myoclonic Epilepsies, Progressive; Myoclonus epilepsy; Progressive myoclonus epilepsy. Identifiers: Orphanet 308, Orphanet 98261, MedGen C0751778, MONDO:0020074.

Allele frequency attached by ClinVar (database versions not stated): gnomAD exomes below 0.00001; gnomAD 0.00003 and 0.00004; TOPMed 0.00003.
gnomAD v4.1: 10 of 1,613,810 alleles (0.00062%); highest among the groups gnomAD compares: African/African-American, 0.0027%; no homozygotes.

Submission:

Labcorp Genetics (formerly Invitae), Labcorp
Classification: Uncertain significance for Progressive myoclonic epilepsy. Last evaluated: 2022-04-28. Review status: criteria provided, single submitter. Criteria: Invitae Variant Classification Sherloc (09022015). Collection method: clinical testing. Allele origin: germline.
Comment: This variant has not been reported in the literature in individuals affected with GOSR2-related conditions. In summary, the available evidence is currently insufficient to determine the role of this variant in disease. Therefore, it has been classified as a Variant of Uncertain Significance. Experimental studies and prediction algorithms are not available or were not evaluated, and the functional significance of this variant is currently unknown. ClinVar contains an entry for this variant (Variation ID: 653214). This variant is present in population databases (no rsID available, gnomAD 0.007%). This sequence change disrupts the translational stop signal of the GOSR2 mRNA. It is expected to extend the length of the GOSR2 protein by 20 additional amino acid residues.

NM_004287.5(GOSR2):c.637T>C (p.Ter213Arg)

Genes: GOSR2 (golgi SNAP receptor complex member 2; plus strand), LRRC37A2 (leucine rich repeat containing 37 member A2). Cytogenetic location: 17q21.32.
Variant type: single nucleotide variant.
Coding change: c.637T>C on transcript NM_004287.5 (MANE Select); coding-DNA position 637, T replaced by C.
Protein change: p.Ter213Arg.
Molecular consequence: stop lost. On other transcripts: intron variant (3).
Genome position (GRCh38, 1-based): chr17:46,938,758, T>C. VCF-style: chr17-46938758-T-C. GRCh37 (hg19) VCF-style: chr17-45016124-T-C.
Other names: *148R; *213R; *165R; *166R; c.442T>C, p.Ter148Arg (NM_001321134.2); c.496T>C, p.Ter166Arg (NM_001330252.2); c.634T>C, p.Ter212Arg (NM_001353114.2); c.493T>C, p.Ter165Arg (NM_001353115.2); and 3 more.
Identifiers: ClinVar variation 653214 (VCV000653214.8), dbSNP rs1229223114, ClinGen allele CA400019249.